The following is an entry in ClinVar:

NM_031206.7(LAS1L):c.1803_1805del (p.Glu603del)

Gene: LAS1L (LAS1 like ribosome biogenesis factor; minus strand). Cytogenetic location: Xq12.
Variant type: Deletion.
Coding change: c.1803_1805del on transcript NM_031206.7 (MANE Select); coding-DNA positions 1803 to 1805, 3 bases deleted (AGA; older notation c.1803_1805delAGA).
Protein change: p.Glu603del; deletes glutamic acid 603.
Molecular consequence: non-coding transcript variant (on NR_164681.1).
Genome position (GRCh38, 1-based): chrX:65,518,109-65,518,111, TCT deleted on the plus strand (AGA on the coding strand, the reverse complement: LAS1L is on the minus strand); deleting any 3 consecutive bases within chrX:65,518,109-65,518,113 gives the same sequence; the c. name uses the placement nearest the transcript's 3' end. VCF-style (leftmost placement, unchanged base first): chrX-65518108-CTCT-C. GRCh37 (hg19) VCF-style: chrX-64737988-CTCT-C.
Other names: c.1752_1754del, p.Glu586del (NM_001170649.2, NM_001375333.1); c.1626_1628del, p.Glu544del (NM_001170650.2); c.1803_1805del, p.Glu603del (NM_001375328.1); c.846_848del, p.Glu284del (NM_001375332.1); short protein forms E284del, E544del, E586del, E603del.
Identifiers: ClinVar variation 4803372 (VCV004803372.1).

ClinVar aggregate classification (germline): Uncertain significance (1 of 4 stars; one submission).

Conditions:
Wilson-Turner syndrome (WTS). Also called: MENTAL RETARDATION, X-LINKED, SYNDROMIC 6; INTELLECTUAL DEVELOPMENTAL DISORDER, X-LINKED, SYNDROMIC, WILSON-TURNER TYPE. Identifiers: Orphanet 3459, MedGen C1839736, MONDO:0010665, OMIM 309585.

Submission:

Labcorp Genetics (formerly Invitae), Labcorp
Classification: Uncertain significance for Wilson-Turner syndrome. Last evaluated: 2025-07-29. Review status: criteria provided, single submitter. Criteria: Invitae Variant Classification Sherloc (09022015). Collection method: clinical testing. Allele origin: germline.
Comment: This variant, c.1803_1805del, results in the deletion of 1 amino acid(s) of the LAS1L protein (p.Glu603del), but otherwise preserves the integrity of the reading frame. This variant is present in population databases (rs752723598, gnomAD 0.001%). This variant has not been reported in the literature in individuals affected with LAS1L-related conditions. Experimental studies and prediction algorithms are not available or were not evaluated, and the functional significance of this variant is currently unknown. In summary, the available evidence is currently insufficient to determine the role of this variant in disease. Therefore, it has been classified as a Variant of Uncertain Significance.